The following is an entry in ClinVar:

NM_018834.6(MATR3):c.2170G>C (p.Asp724His)

Gene: MATR3 (matrin 3; plus strand). Cytogenetic location: 5q31.2.
Variant type: single nucleotide variant.
Coding change: c.2170G>C on transcript NM_018834.6 (MANE Select); coding-DNA position 2170, G replaced by C.
Protein change: p.Asp724His; replaces aspartic acid 724 with histidine.
Molecular consequence: missense variant.
Genome position (GRCh38, 1-based): chr5:139,325,461, G>C. VCF-style: chr5-139325461-G-C. GRCh37 (hg19) VCF-style: chr5-138661150-G-C.
Other names: c.2170G>C, p.Asp724His (NM_001194954.2, NM_001194955.2, NM_199189.3); c.1306G>C, p.Asp436His (NM_001194956.2); c.1156G>C, p.Asp386His (NM_001282278.2); short protein forms D436H, D386H, D724H.
Identifiers: ClinVar variation 1504065 (VCV001504065.6), dbSNP rs1452903586, ClinGen allele CA361146035.

ClinVar aggregate classification (germline): Uncertain significance (1 of 4 stars; one submission).

Conditions:
Amyotrophic lateral sclerosis type 21. Also called: VOCAL CORD AND PHARYNGEAL DYSFUNCTION WITH DISTAL MYOPATHY; MYOPATHY, DISTAL, 2. Identifiers: Orphanet 600, Orphanet 803, MedGen C3807521, MONDO:0011632, OMIM 606070.

Submission:

Labcorp Genetics (formerly Invitae), Labcorp
Classification: Uncertain significance for Amyotrophic lateral sclerosis type 21. Last evaluated: 2023-05-15. Review status: criteria provided, single submitter. Criteria: Invitae Variant Classification Sherloc (09022015). Collection method: clinical testing. Allele origin: germline.
Comment: This variant is not present in population databases (gnomAD no frequency). In summary, the available evidence is currently insufficient to determine the role of this variant in disease. Therefore, it has been classified as a Variant of Uncertain Significance. Advanced modeling of protein sequence and biophysical properties (such as structural, functional, and spatial information, amino acid conservation, physicochemical variation, residue mobility, and thermodynamic stability) performed at Invitae indicates that this missense variant is not expected to disrupt MATR3 protein function. ClinVar contains an entry for this variant (Variation ID: 1504065). This variant has not been reported in the literature in individuals affected with MATR3-related conditions. This sequence change replaces aspartic acid, which is acidic and polar, with histidine, which is basic and polar, at codon 724 of the MATR3 protein (p.Asp724His).